The following is an entry in ClinVar:

ClinVar aggregate classification (germline): Uncertain significance (1 of 4 stars; one submission).

Allele frequency attached by ClinVar (database versions not stated): gnomAD exomes below 0.00001; ExAC 0.00001.
gnomAD v4.1: 5 of 1,613,934 alleles (0.00031%); highest among the groups gnomAD compares: Non-Finnish European, 0.00017%; no homozygotes.

Submission:

Labcorp Genetics (formerly Invitae), Labcorp
Classification: Uncertain significance. Last evaluated: 2024-01-14. Review status: criteria provided, single submitter. Criteria: Invitae Variant Classification Sherloc (09022015). Collection method: clinical testing. Allele origin: germline.
Comment: This sequence change replaces methionine, which is neutral and non-polar, with valine, which is neutral and non-polar, at codon 286 of the ACO2 protein (p.Met286Val). This variant is present in population databases (rs754654913, gnomAD 0.0009%). This variant has not been reported in the literature in individuals affected with ACO2-related conditions. Advanced modeling of protein sequence and biophysical properties (such as structural, functional, and spatial information, amino acid conservation, physicochemical variation, residue mobility, and thermodynamic stability) performed at Invitae indicates that this missense variant is expected to disrupt ACO2 protein function with a positive predictive value of 80%. In summary, the available evidence is currently insufficient to determine the role of this variant in disease. Therefore, it has been classified as a Variant of Uncertain Significance.

NM_001098.3(ACO2):c.856A>G (p.Met286Val)

Gene: ACO2 (aconitase 2; plus strand). Cytogenetic location: 22q13.2.
Variant type: single nucleotide variant.
Coding change: c.856A>G on transcript NM_001098.3 (MANE Select); coding-DNA position 856, A replaced by G.
Protein change: p.Met286Val; replaces methionine 286 with valine.
Molecular consequence: missense variant.
Genome position (GRCh38, 1-based): chr22:41,517,547, A>G. VCF-style: chr22-41517547-A-G. GRCh37 (hg19) VCF-style: chr22-41913551-A-G.
Other names: short protein forms M286V.
Identifiers: ClinVar variation 2793203 (VCV002793203.3), dbSNP rs754654913, ClinGen allele CA10257486.